The following is an entry in ClinVar:

NM_004304.5(ALK):c.2748G>A (p.Glu916=)

Gene: ALK (ALK receptor tyrosine kinase; minus strand). Cytogenetic location: 2p23.2.
Variant type: single nucleotide variant.
Coding change: c.2748G>A on transcript NM_004304.5 (MANE Select); coding-DNA position 2748, G replaced by A.
Protein change: p.Glu916=; no amino-acid change (glutamic acid 916 retained).
Molecular consequence: synonymous variant.
Genome position (GRCh38, 1-based): chr2:29,228,951, C>T on the plus strand (G>A on the coding strand, the complement: ALK is on the minus strand). VCF-style: chr2-29228951-C-T. GRCh37 (hg19) VCF-style: chr2-29451817-C-T.
Identifiers: ClinVar variation 3855034 (VCV003855034.2).

ClinVar aggregate classification (germline): Conflicting classifications of pathogenicity. Review status: criteria provided, conflicting classifications (1 of 4 stars). 2 submissions from 2 submitters: Uncertain significance (1); Likely benign (1). Last evaluated 2025-04-27.

Conditions:
Hereditary cancer-predisposing syndrome. Also called: Neoplastic Syndromes, Hereditary; Tumor predisposition; Hereditary neoplastic syndrome; Hereditary Cancer Syndrome. Identifiers: Orphanet 140162, MedGen C0027672, MeSH D009386, MONDO:0015356.
Neuroblastoma, susceptibility to, 3. Also called: ALK-Related Neuroblastic Tumor Susceptibility. Identifiers: Orphanet 635, MedGen C2751681, MONDO:0013083, OMIM 613014.

Submissions (2):

Labcorp Genetics (formerly Invitae), Labcorp
Classification: Likely benign for Neuroblastoma, susceptibility to, 3. Last evaluated: 2025-04-27. Review status: criteria provided, single submitter. Criteria: Invitae Variant Classification Sherloc (09022015). Collection method: clinical testing. Allele origin: germline.

Ambry Genetics
Classification: Uncertain significance for Hereditary cancer-predisposing syndrome. Last evaluated: 2025-01-14. Review status: criteria provided, single submitter. Criteria: Ambry Variant Classification Scheme 2023. Collection method: clinical testing. Allele origin: germline.
Comment: The c.2748G>A variant (also known as p.E916E), located in coding exon 16 of the ALK gene, results from a G to A substitution at nucleotide position 2748. This nucleotide substitution does not change the glutamic acid at codon 916. This nucleotide position is highly conserved in available vertebrate species. In silico splice site analysis for this alteration is inconclusive. Based on the available evidence, the clinical significance of this variant remains unclear.